The following is an entry in ClinVar:

ClinVar aggregate classification (germline): Uncertain significance (1 of 4 stars; one submission).

Conditions:
Inborn genetic diseases. Identifiers: MedGen C0950123, MeSH D030342.

Submission:

Ambry Genetics
Classification: Uncertain significance for Inborn genetic diseases. Last evaluated: 2021-01-26. Review status: criteria provided, single submitter. Criteria: Ambry Variant Classification Scheme 2023. Collection method: clinical testing. Allele origin: germline.
Comment: The c.123-6T>C intronic alteration consists of a T to C substitution 6 nucleotides before exon 2 (coding exon 2) of the MAPRE2 gene. In silico splice site analysis predicts that this alteration will not have any significant effect on splicing. Based on insufficient or conflicting evidence, the clinical significance of this alteration remains unclear.

NM_014268.4(MAPRE2):c.123-6T>C

Gene: MAPRE2 (microtubule associated protein RP/EB family member 2; plus strand). Cytogenetic location: 18q12.1.
Variant type: single nucleotide variant.
Coding change: c.123-6T>C on transcript NM_014268.4 (MANE Select); 6 bases into the intron before coding-DNA position 123, T replaced by C.
Molecular consequence: intron variant.
Genome position (GRCh38, 1-based): chr18:35,070,189, T>C. VCF-style: chr18-35070189-T-C. GRCh37 (hg19) VCF-style: chr18-32650153-T-C.
Other names: c.-7-6T>C (NM_001143826.3); c.87-6T>C (NM_001143827.3); c.92-27257T>C (NM_001256420.2).
Identifiers: ClinVar variation 2228766 (VCV002228766.2), dbSNP rs2523844956, ClinGen allele CA2580095671.